The following is an entry in ClinVar:

ClinVar aggregate classification (germline): Uncertain significance. Review status: criteria provided, multiple submitters, no conflicts (2 of 4 stars). 3 submissions from 3 submitters: Uncertain significance (3). Last evaluated 2025-07-04.

Conditions:
Cardiovascular phenotype. Identifiers: MedGen CN230736.
Long QT syndrome 10 (LQT10). Identifiers: Orphanet 101016, Orphanet 768, MedGen C2678484, MONDO:0012737, OMIM 611819.

Allele frequency attached by ClinVar (database versions not stated): TOPMed below 0.00001; gnomAD 0.00001; gnomAD exomes 0.00001; ExAC 0.00002.
gnomAD v4.1: 10 of 1,612,078 alleles (0.00062%); highest among the groups gnomAD compares: South Asian, 0.0022%; no homozygotes.

Submissions (3):

Ambry Genetics
Classification: Uncertain significance for Cardiovascular phenotype. Last evaluated: 2025-07-04. Review status: criteria provided, single submitter. Criteria: Ambry Variant Classification Scheme 2023. Collection method: clinical testing. Allele origin: germline.

Fulgent Genetics
Classification: Uncertain significance for Long QT syndrome 10. Last evaluated: 2021-08-02. Review status: criteria provided, single submitter. Criteria: ACMG Guidelines, 2015. Collection method: clinical testing. Allele origin: unknown.

GeneDx
Classification: Uncertain significance. Last evaluated: 2012-01-17. Review status: criteria provided, single submitter. Criteria: GeneDx Variant Classification (06012015). Collection method: clinical testing. Allele origin: germline. Affected: yes.
Comment: The Val152Ile variant in the SCN4B gene has not been reported previously as a disease-causing mutation nor as a benign polymorphism, to our knowledge. Val152Ile results in a conservative substitution of one non-polar amino acid for another. In addition, no mutations have been reported in nearby codons, suggesting this region of the protein may tolerate change. However, the Val152 residue is conserved across species. The NHLBI ESP Exome Variant Server reports Val152Ile was not observed in approximately 5,000 samples from individuals of European and African American backgrounds, indicating it is not a common benign variant in these populations. In summary, with the clinical and molecular information available at this time, we cannot determine whether the Val152Ile variant is a disease-causing mutation or a benign variant. The variant is found in LQT panel(s).

NM_174934.4(SCN4B):c.454G>A (p.Val152Ile)

Genes: SCN4B (sodium voltage-gated channel beta subunit 4; minus strand), LOC126861356 (BRD4-independent group 4 enhancer GRCh37_chr11:118014519-118015718; plus strand). Cytogenetic location: 11q23.3.
Variant type: single nucleotide variant.
Coding change: c.454G>A on transcript NM_174934.4 (MANE Select); coding-DNA position 454, G replaced by A.
Protein change: p.Val152Ile; replaces valine 152 with isoleucine.
Molecular consequence: missense variant. On other transcripts: intron variant (1).
Genome position (GRCh38, 1-based): chr11:118,143,842, C>T on the plus strand (G>A on the coding strand, the complement: SCN4B is on the minus strand). VCF-style: chr11-118143842-C-T. GRCh37 (hg19) VCF-style: chr11-118014557-C-T.
Other names: p.V152I:GTT>ATT; c.124G>A, p.Val42Ile (NM_001142349.2); c.62-2506G>A (NM_001142348.2); short protein forms V152I, V42I.
Identifiers: ClinVar variation 190899 (VCV000190899.6), dbSNP rs778247172, ClinGen allele CA302232.